The following is an entry in ClinVar:

ClinVar aggregate classification (germline): Likely benign (1 of 4 stars; one submission).

gnomAD v4.1: 6 of 1,614,110 alleles (0.00037%); highest among the groups gnomAD compares: Non-Finnish European, 0.00051%; no homozygotes.

Submission:

CeGaT Center for Human Genetics Tuebingen
Classification: Likely benign. Last evaluated: 2025-04-01. Review status: criteria provided, single submitter. Criteria: CeGaT Center For Human Genetics Tuebingen Variant Classification Criteria Version 2. Collection method: clinical testing. Allele origin: germline. Affected: yes. Observed: 1 variant allele.
Comment: ERCC4: BP4, BP7

NM_005236.3(ERCC4):c.1248A>G (p.Thr416=)

Gene: ERCC4 (ERCC excision repair 4, endonuclease catalytic subunit; plus strand). Cytogenetic location: 16p13.12.
Variant type: single nucleotide variant.
Coding change: c.1248A>G on transcript NM_005236.3 (MANE Select); coding-DNA position 1248, A replaced by G.
Protein change: p.Thr416=; no amino-acid change (threonine 416 retained).
Molecular consequence: synonymous variant.
Genome position (GRCh38, 1-based): chr16:13,935,180, A>G. VCF-style: chr16-13935180-A-G. GRCh37 (hg19) VCF-style: chr16-14029037-A-G.
Identifiers: ClinVar variation 3905364 (VCV003905364.10).